The following is an entry in ClinVar:

ClinVar aggregate classification (germline): Uncertain significance (1 of 4 stars; one submission).

Conditions:
Inborn genetic diseases. Identifiers: MedGen C0950123, MeSH D030342.

gnomAD v4.1: 14 of 1,537,150 alleles (0.00091%); highest among the groups gnomAD compares: African/African-American, 0.0027%; no homozygotes.

Submission:

Ambry Genetics
Classification: Uncertain significance for Inborn genetic diseases. Last evaluated: 2025-10-22. Review status: criteria provided, single submitter. Criteria: Ambry Variant Classification Scheme 2023. Collection method: clinical testing. Allele origin: germline.
Comment: The c.1567C>T (p.R523C) alteration is located in exon 15 (coding exon 15) of the KIF2A gene. This alteration results from a C to T substitution at nucleotide position 1567, causing the arginine (R) at amino acid position 523 to be replaced by a cysteine (C). Based on data from gnomAD, the T allele has an overall frequency of <0.001% (0/236926) total alleles studied. The highest observed frequency was <0.001% (/) of alleles. Based on insufficient or conflicting evidence, the clinical significance of this alteration remains unclear.

NM_001098511.3(KIF2A):c.1567C>T (p.Arg523Cys)

Gene: KIF2A (kinesin family member 2A; plus strand). Cytogenetic location: 5q12.1.
Variant type: single nucleotide variant.
Coding change: c.1567C>T on transcript NM_001098511.3 (MANE Select); coding-DNA position 1567, C replaced by T.
Protein change: p.Arg523Cys; replaces arginine 523 with cysteine.
Molecular consequence: missense variant.
Genome position (GRCh38, 1-based): chr5:62,365,342, C>T. VCF-style: chr5-62365342-C-T. GRCh37 (hg19) VCF-style: chr5-61661169-C-T.
Other names: c.1567C>T, p.Arg523Cys (NM_004520.5); c.1486C>T, p.Arg496Cys (NM_001243952.2); c.1510C>T, p.Arg504Cys (NM_001243953.2); short protein forms R496C, R504C, R523C.
Identifiers: ClinVar variation 4622983 (VCV004622983.1).